The following is an entry in ClinVar:

ClinVar aggregate classification (germline): Uncertain significance (1 of 4 stars; one submission).

Conditions:
Malignant hyperthermia, susceptibility to, 5 (MHS5). Also called: CACNA1S-Related Malignant Hyperthermia Susceptibility. Identifiers: Orphanet 423, MedGen C1866077, MONDO:0011163, OMIM 601887.

gnomAD v4.1: 1 of 1,614,186 alleles (0.000062%); highest among the groups gnomAD compares: South Asian, 0.0011%; no homozygotes.

Submission:

All of Us Research Program, National Institutes of Health
Classification: Uncertain significance for Malignant hyperthermia, susceptibility to, 5. Last evaluated: 2024-07-10. Review status: criteria provided, single submitter. Criteria: ACMG Guidelines, 2015. Collection method: clinical testing. Allele origin: germline. Inheritance: Autosomal dominant inheritance. Observed: 1 variant allele, 1 heterozygote.
Comment: This missense variant replaces cysteine with serine at codon 1368 of the CACNA1S protein. Computational prediction suggests that this variant may have deleterious impact on protein structure and function (internally defined REVEL score threshold >= 0.7, PMID: 27666373). To our knowledge, functional studies have not been reported for this variant. This variant has not been reported in individuals affected with CACNA1S-related disorders in the literature. This variant has been identified in 1/251484 chromosomes in the general population by the Genome Aggregation Database (gnomAD). The available evidence is insufficient to determine the role of this variant in disease conclusively. Therefore, this variant is classified as a Variant of Uncertain Significance.

This study involves interpretation of variants in research participants for the purpose of population health screening. Participant phenotype was not available at the time of variant classification. Additional details can be found in publication PMID: 35346344, PMCID: PMC8962531

NM_000069.3(CACNA1S):c.4103G>C (p.Cys1368Ser)

Gene: CACNA1S (calcium voltage-gated channel subunit alpha1 S; minus strand). Cytogenetic location: 1q32.1.
Variant type: single nucleotide variant.
Coding change: c.4103G>C on transcript NM_000069.3 (MANE Select); coding-DNA position 4103, G replaced by C.
Protein change: p.Cys1368Ser; replaces cysteine 1368 with serine.
Molecular consequence: missense variant.
Genome position (GRCh38, 1-based): chr1:201,050,994, C>G on the plus strand (G>C on the coding strand, the complement: CACNA1S is on the minus strand). VCF-style: chr1-201050994-C-G. GRCh37 (hg19) VCF-style: chr1-201020122-C-G.
Other names: short protein forms C1368S.
Identifiers: ClinVar variation 3386312 (VCV003386312.1).